The following is an entry in ClinVar:

ClinVar aggregate classification (germline): Uncertain significance (1 of 4 stars; one submission).

Submission:

Labcorp Genetics (formerly Invitae), Labcorp
Classification: Uncertain significance. Last evaluated: 2022-11-24. Review status: criteria provided, single submitter. Criteria: Invitae Variant Classification Sherloc (09022015). Collection method: clinical testing. Allele origin: germline.
Comment: In summary, the available evidence is currently insufficient to determine the role of this variant in disease. Therefore, it has been classified as a Variant of Uncertain Significance. Advanced modeling of protein sequence and biophysical properties (such as structural, functional, and spatial information, amino acid conservation, physicochemical variation, residue mobility, and thermodynamic stability) performed at Invitae indicates that this missense variant is not expected to disrupt FN1 protein function. This variant has not been reported in the literature in individuals affected with FN1-related conditions. This variant is not present in population databases (gnomAD no frequency). This sequence change replaces threonine, which is neutral and polar, with proline, which is neutral and non-polar, at codon 226 of the FN1 protein (p.Thr226Pro).

NM_212482.4(FN1):c.676A>C (p.Thr226Pro)

Gene: FN1 (fibronectin 1; minus strand). Cytogenetic location: 2q35.
Variant type: single nucleotide variant.
Coding change: c.676A>C on transcript NM_212482.4 (MANE Select); coding-DNA position 676, A replaced by C.
Protein change: p.Thr226Pro; replaces threonine 226 with proline.
Molecular consequence: missense variant.
Genome position (GRCh38, 1-based): chr2:215,430,724, T>G on the plus strand (A>C on the coding strand, the complement: FN1 is on the minus strand). VCF-style: chr2-215430724-T-G. GRCh37 (hg19) VCF-style: chr2-216295447-T-G.
Other names: c.676A>C, p.Thr226Pro (NM_001306130.2, NM_001306131.2, NM_001306132.2 and 14 more transcripts); short protein forms T226P.
Identifiers: ClinVar variation 2810815 (VCV002810815.3), dbSNP rs2106514652, ClinGen allele CA350475274.